The following is an entry in ClinVar:

ClinVar aggregate classification (germline): Likely benign (1 of 4 stars; one submission).

gnomAD v4.1: 10 of 1,613,822 alleles (0.00062%); highest among the groups gnomAD compares: Non-Finnish European, 0.00085%; no homozygotes.

Submission:

CeGaT Center for Human Genetics Tuebingen
Classification: Likely benign. Last evaluated: 2024-12-01. Review status: criteria provided, single submitter. Criteria: CeGaT Center For Human Genetics Tuebingen Variant Classification Criteria Version 2. Collection method: clinical testing. Allele origin: germline. Affected: yes. Observed: 2 variant alleles.
Comment: KCNMA1: BP4, BP7

NM_001161352.2(KCNMA1):c.762G>C (p.Thr254=)

Gene: KCNMA1 (potassium calcium-activated channel subfamily M alpha 1; minus strand). Cytogenetic location: 10q22.3.
Variant type: single nucleotide variant.
Coding change: c.762G>C on transcript NM_001161352.2 (MANE Select); coding-DNA position 762, G replaced by C.
Protein change: p.Thr254=; no amino-acid change (threonine 254 retained).
Molecular consequence: synonymous variant.
Genome position (GRCh38, 1-based): chr10:77,183,467, C>G on the plus strand (G>C on the coding strand, the complement: KCNMA1 is on the minus strand). VCF-style: chr10-77183467-C-G. GRCh37 (hg19) VCF-style: chr10-78943225-C-G.
Other names: c.762G>C, p.Thr254= (NM_001014797.3, NM_001161353.2, NM_001271519.2 and 8 more transcripts); c.600G>C, p.Thr200= (NM_001271518.2); c.222G>C, p.Thr74= (NM_001322838.2).
Identifiers: ClinVar variation 3389033 (VCV003389033.14).
Genomic context (GRCh38, chr10:77,183,467, plus strand): 5'-AGAGGCTGACTTACCAAGCCAACTTCTGTTTAAGTACACAGACACAAACACGGGGGGCAC[C>G]GTGAAGAAATCCACTACAGAGTTCACTTCCAGCCAGAACCACAATTTATCGTTGGCTGCA-3'
Protein context (NP_001154824.1, residues 244-264): LEVNSVVDFF[Thr254=]VPPVFVSVYL